The following is an entry in ClinVar:

ClinVar aggregate classification (germline): Uncertain significance (1 of 4 stars; one submission).

Conditions:
Spastic paraplegia. Identifiers: MedGen C0037772, HP:0001258.

gnomAD v4.1: 1 of 1,210,118 alleles (0.000083%); highest among the groups gnomAD compares: Non-Finnish European, 0.00011%; no homozygotes.

Submission:

Labcorp Genetics (formerly Invitae), Labcorp
Classification: Uncertain significance for Spastic paraplegia. Last evaluated: 2023-11-27. Review status: criteria provided, single submitter. Criteria: Invitae Variant Classification Sherloc (09022015). Collection method: clinical testing. Allele origin: germline.
Comment: This sequence change replaces proline, which is neutral and non-polar, with histidine, which is basic and polar, at codon 700 of the L1CAM protein (p.Pro700His). This variant is not present in population databases (gnomAD no frequency). This variant has not been reported in the literature in individuals affected with L1CAM-related conditions. Advanced modeling of protein sequence and biophysical properties (such as structural, functional, and spatial information, amino acid conservation, physicochemical variation, residue mobility, and thermodynamic stability) has been performed at Invitae for this missense variant, however the output from this modeling did not meet the statistical confidence thresholds required to predict the impact of this variant on L1CAM protein function. In summary, the available evidence is currently insufficient to determine the role of this variant in disease. Therefore, it has been classified as a Variant of Uncertain Significance.

NM_001278116.2(L1CAM):c.2099C>A (p.Pro700His)

Gene: L1CAM (L1 cell adhesion molecule; minus strand). Cytogenetic location: Xq28.
Variant type: single nucleotide variant.
Coding change: c.2099C>A on transcript NM_001278116.2 (MANE Select); coding-DNA position 2099, C replaced by A.
Protein change: p.Pro700His; replaces proline 700 with histidine.
Molecular consequence: missense variant.
Genome position (GRCh38, 1-based): chrX:153,867,394, G>T on the plus strand (C>A on the coding strand, the complement: L1CAM is on the minus strand). VCF-style: chrX-153867394-G-T. GRCh37 (hg19) VCF-style: chrX-153132849-G-T.
Other names: c.2099C>A, p.Pro700His (NM_000425.5, NM_024003.3); c.2084C>A, p.Pro695His (NM_001143963.2); short protein forms P695H, P700H.
Identifiers: ClinVar variation 2754275 (VCV002754275.3), dbSNP rs781918761, ClinGen allele CA415121541.